The following is an entry in ClinVar:

ClinVar aggregate classification (germline): Uncertain significance (1 of 4 stars; one submission).

Conditions:
Hereditary cancer-predisposing syndrome. Also called: Hereditary Cancer Syndrome; Neoplastic Syndromes, Hereditary; Tumor predisposition; Hereditary neoplastic syndrome. Identifiers: Orphanet 140162, MedGen C0027672, MeSH D009386, MONDO:0015356.

Submission:

Ambry Genetics
Classification: Uncertain significance for Hereditary cancer-predisposing syndrome. Last evaluated: 2016-07-05. Review status: criteria provided, single submitter. Criteria: Ambry Variant Classification Scheme 2023. Collection method: clinical testing. Allele origin: germline.
Comment: The p.H63P variant (also known as c.188A>C), located in coding exon 3 of the MRE11A gene, results from an A to C substitution at nucleotide position 188. The histidine at codon 63 is replaced by proline, an amino acid with similar properties. This variant was not reported in population based cohorts in the following databases: Database of Single Nucleotide Polymorphisms (dbSNP), NHLBI Exome Sequencing Project (ESP), and 1000 Genomes Project. In the ESP, this variant was not observed in 6499 samples (12998 alleles) with coverage at this position. To date, this alteration has been detected with an allele frequency of approximately 0.001% (greater than 175000 alleles tested) in our clinical cohort. This amino acid position is highly conserved in available vertebrate species. In addition, this alteration is predicted to be deleterious by in silico analysis. Since supporting evidence is limited at this time, the clinical significance of this alteration remains unclear.

NM_005591.4(MRE11):c.188A>C (p.His63Pro)

Gene: MRE11 (MRE11 double strand break repair nuclease; minus strand). Cytogenetic location: 11q21.
Variant type: single nucleotide variant.
Coding change: c.188A>C on transcript NM_005591.4 (MANE Select); coding-DNA position 188, A replaced by C.
Protein change: p.His63Pro; replaces histidine 63 with proline.
Molecular consequence: missense variant.
Genome position (GRCh38, 1-based): chr11:94,486,050, T>G on the plus strand (A>C on the coding strand, the complement: MRE11 is on the minus strand). VCF-style: chr11-94486050-T-G. GRCh37 (hg19) VCF-style: chr11-94219216-T-G.
Other names: c.188A>C, p.His63Pro (NM_001330347.2, NM_005590.4); short protein forms H63P.
Identifiers: ClinVar variation 479754 (VCV000479754.5), dbSNP rs786203584, ClinGen allele CA382379816.
Genomic context (GRCh38, chr11:94,486,050, plus strand): 5'-CAATATTTTCTTAATAACTCGAGGCAGGTATGTAATGTTTTCCTTGAGGGCTTATTTTCA[T>G]GAAAAAGATCACCACCTAACAAAATAAAATCCACCTGATCAACAGAAAAAGGTGTTAAAA-3'
Protein context (NP_005582.1, residues 53-73): DFILLGGDLF[His63Pro]ENKPSRKTLH